The following is an entry in ClinVar:

ClinVar aggregate classification (germline): Uncertain significance. Review status: criteria provided, multiple submitters, no conflicts (2 of 4 stars). 2 submissions from 2 submitters: Uncertain significance (2). Last evaluated 2024-01-09.

Conditions:
Coenzyme Q10 deficiency, primary, 1. Also called: UBIQUINONE DEFICIENCY 1; COENZYME Q DEFICIENCY 1; CoQ DEFICIENCY 1. Identifiers: Orphanet 255249, MedGen C3551954, MONDO:0011829, OMIM 607426.
Multiple system atrophy 1, susceptibility to. Also called: MSA1, SUSCEPTIBILITY TO. Identifiers: MedGen C3714927, MONDO:0020715, OMIM 146500.

Allele frequency attached by ClinVar (database versions not stated): gnomAD 0.00003; ESP Exome Variant Server 0.00017.

Submissions (2):

Fulgent Genetics
Classification: Uncertain significance for Multiple system atrophy 1, susceptibility to; Coenzyme Q10 deficiency, primary, 1. Last evaluated: 2024-01-09. Review status: criteria provided, single submitter. Criteria: ACMG Guidelines, 2015. Collection method: clinical testing. Allele origin: germline.

Labcorp Genetics (formerly Invitae), Labcorp
Classification: Uncertain significance. Last evaluated: 2023-09-05. Review status: criteria provided, single submitter. Criteria: Invitae Variant Classification Sherloc (09022015). Collection method: clinical testing. Allele origin: germline.
Comment: Advanced modeling of protein sequence and biophysical properties (such as structural, functional, and spatial information, amino acid conservation, physicochemical variation, residue mobility, and thermodynamic stability) performed at Invitae indicates that this missense variant is not expected to disrupt COQ2 protein function. Experimental studies have shown that this missense change affects COQ2 function (PMID: 23758206). In summary, the available evidence is currently insufficient to determine the role of this variant in disease. Therefore, it has been classified as a Variant of Uncertain Significance. This sequence change replaces threonine, which is neutral and polar, with alanine, which is neutral and non-polar, at codon 317 of the COQ2 protein (p.Thr317Ala). This variant is present in population databases (rs369627290, gnomAD 0.001%). This missense change has been observed in individual(s) with clinical features of COQ2-related conditions (PMID: 23758206). ClinVar contains an entry for this variant (Variation ID: 2084932).

Literature cited by the submitters: PubMed 23758206 (cited by Labcorp Genetics (formerly Invitae), Labcorp).

NM_001358921.2(COQ2):c.799A>G (p.Thr267Ala)

Gene: COQ2 (coenzyme Q2, polyprenyltransferase; minus strand). Cytogenetic location: 4q21.23.
Variant type: single nucleotide variant.
Coding change: c.799A>G on transcript NM_001358921.2 (MANE Select); coding-DNA position 799, A replaced by G.
Protein change: p.Thr267Ala; replaces threonine 267 with alanine.
Molecular consequence: missense variant.
Genome position (GRCh38, 1-based): chr4:83,267,738, T>C on the plus strand (A>G on the coding strand, the complement: COQ2 is on the minus strand). VCF-style: chr4-83267738-T-C. GRCh37 (hg19) VCF-style: chr4-84188891-T-C.
Other names: c.949A>G (NM_015697.8); c.949A>G, p.Thr317Ala (NM_015697.9); short protein forms T317A, T267A.
Identifiers: ClinVar variation 2084932 (VCV002084932.5), dbSNP rs369627290, ClinGen allele CA2988504.